The following is an entry in ClinVar:

NM_000321.3(RB1):c.2377C>T (p.Pro793Ser)

Gene: RB1 (RB transcriptional corepressor 1; plus strand). Cytogenetic location: 13q14.2.
Variant type: single nucleotide variant.
Coding change: c.2377C>T on transcript NM_000321.3 (MANE Select); coding-DNA position 2377, C replaced by T.
Protein change: p.Pro793Ser; replaces proline 793 with serine.
Molecular consequence: missense variant.
Genome position (GRCh38, 1-based): chr13:48,465,256, C>T. VCF-style: chr13-48465256-C-T. GRCh37 (hg19) VCF-style: chr13-49039392-C-T.
Other names: c.2377C>T (NM_000321.2); short protein forms P793S.
Identifiers: ClinVar variation 1003580 (VCV001003580.9), dbSNP rs947540268, ClinGen allele CA249310474.

ClinVar aggregate classification (germline): Conflicting classifications of pathogenicity. Review status: criteria provided, conflicting classifications (1 of 4 stars). 2 submissions from 2 submitters: Uncertain significance (1); Likely benign (1). Last evaluated 2026-01-20.

Conditions:
Hereditary cancer-predisposing syndrome. Also called: Hereditary Cancer Syndrome; Neoplastic Syndromes, Hereditary; Tumor predisposition; Hereditary neoplastic syndrome. Identifiers: Orphanet 140162, MedGen C0027672, MeSH D009386, MONDO:0015356.
Retinoblastoma (RB1). Also called: RETINOBLASTOMA, SOMATIC. Identifiers: Orphanet 790, MedGen C0035335, MeSH D012175, MONDO:0008380, OMIM 180200, HP:0009919. Disease mechanism: loss of function. Inheritance: Both sporadic and heritable forms are tested..

Allele frequency attached by ClinVar (database versions not stated): TOPMed below 0.00001.

Submissions (2):

Ambry Genetics
Classification: Likely benign for Hereditary cancer-predisposing syndrome. Last evaluated: 2026-01-20. Review status: criteria provided, single submitter. Criteria: Ambry Variant Classification Scheme 2023. Collection method: clinical testing. Allele origin: germline.

Labcorp Genetics (formerly Invitae), Labcorp
Classification: Uncertain significance for Retinoblastoma. Last evaluated: 2022-12-09. Review status: criteria provided, single submitter. Criteria: Invitae Variant Classification Sherloc (09022015). Collection method: clinical testing. Allele origin: germline.
Comment: In summary, the available evidence is currently insufficient to determine the role of this variant in disease. Therefore, it has been classified as a Variant of Uncertain Significance. Advanced modeling of protein sequence and biophysical properties (such as structural, functional, and spatial information, amino acid conservation, physicochemical variation, residue mobility, and thermodynamic stability) performed at Invitae indicates that this missense variant is not expected to disrupt RB1 protein function. ClinVar contains an entry for this variant (Variation ID: 1003580). This variant has not been reported in the literature in individuals affected with RB1-related conditions. This variant is not present in population databases (gnomAD no frequency). This sequence change replaces proline, which is neutral and non-polar, with serine, which is neutral and polar, at codon 793 of the RB1 protein (p.Pro793Ser).